The following is an entry in ClinVar:

ClinVar aggregate classification (germline): Pathogenic/Likely pathogenic. Review status: criteria provided, multiple submitters, no conflicts (2 of 4 stars). 7 submissions from 7 submitters: Pathogenic (2); Likely pathogenic (2). 3 of the submissions do not count toward it. Last evaluated 2024-03-26.

Conditions:
Retinal dystrophy. Also called: Inherited retinal dystrophy. Identifiers: Orphanet 71862, MedGen C0854723, MeSH D058499, MONDO:0019118, HP:0000556.
ABCA4-related disorder. Also called: ABCA4-related condition; ABCA4-related disorders. Identifiers: MedGen CN239167.

Allele frequency attached by ClinVar (database versions not stated): gnomAD exomes below 0.00001; TOPMed below 0.00001.
gnomAD v4.1: 8 of 1,614,116 alleles (0.0005%); highest among the groups gnomAD compares: Middle Eastern, 0.016%; no homozygotes.

Submissions (7):

Blueprint Genetics
Classification: Pathogenic for ABCA4-related disorders. Last evaluated: 2024-03-26. Review status: criteria provided, single submitter. Criteria: ACMG Guidelines, 2015. Collection method: clinical testing. Allele origin: germline. Affected: yes. Observed: 5 variant alleles.

Labcorp Genetics (formerly Invitae), Labcorp
Classification: Pathogenic. Last evaluated: 2023-11-28. Review status: criteria provided, single submitter. Criteria: Invitae Variant Classification Sherloc (09022015). Collection method: clinical testing. Allele origin: germline.
Comment: This sequence change replaces tyrosine, which is neutral and polar, with histidine, which is basic and polar, at codon 340 of the ABCA4 protein (p.Tyr340His). This variant is not present in population databases (gnomAD no frequency). This missense change has been observed in individuals with retinitis pigmentosa or stargardt disease (PMID: 28041643; Invitae). ClinVar contains an entry for this variant (Variation ID: 438086). Advanced modeling of protein sequence and biophysical properties (such as structural, functional, and spatial information, amino acid conservation, physicochemical variation, residue mobility, and thermodynamic stability) performed at Invitae indicates that this missense variant is expected to disrupt ABCA4 protein function with a positive predictive value of 95%. This variant disrupts the p.Tyr340 amino acid residue in ABCA4. Other variant(s) that disrupt this residue have been determined to be pathogenic (PMID: 30060493, 33129279). This suggests that this residue is clinically significant, and that variants that disrupt this residue are likely to be disease-causing. For these reasons, this variant has been classified as Pathogenic.

CeGaT Center for Human Genetics Tuebingen
Classification: Likely pathogenic. Last evaluated: 2023-06-01. Review status: criteria provided, single submitter. Criteria: CeGaT Center For Human Genetics Tuebingen Variant Classification Criteria Version 2. Collection method: clinical testing. Allele origin: germline. Affected: yes. Observed: 2 variant alleles.
Comment: ABCA4: PM1, PM2, PM5, PM3:Supporting, PP3

Institute of Human Genetics, Univ. Regensburg, Univ. Regensburg
Classification: Likely pathogenic for Retinal dystrophy. Last evaluated: 2020-01-01. Review status: criteria provided, single submitter. Criteria: ACMG Guidelines, 2015. Collection method: clinical testing. Allele origin: germline. Affected: yes.

NIHR Bioresource Rare Diseases, University of Cambridge
Classification: Likely pathogenic for Retinal dystrophy. Last evaluated: 2015-01-01. Review status: no assertion criteria provided. Collection method: research. Allele origin: unknown. Affected: yes. Observed: 1 variant allele. Not counted in ClinVar's aggregate classification.

Clinical Genetics, Academic Medical Center
Classification: Uncertain significance. Review status: no assertion criteria provided. Collection method: clinical testing. Allele origin: germline. Affected: yes. Study: VKGL Data-share Consensus. Not counted in ClinVar's aggregate classification.

Joint Genome Diagnostic Labs from Nijmegen and Maastricht, Radboudumc and MUMC+
Classification: Uncertain significance. Review status: no assertion criteria provided. Collection method: clinical testing. Allele origin: germline. Affected: yes. Study: VKGL Data-share Consensus. Not counted in ClinVar's aggregate classification.

Literature cited by the submitters: PubMed 28041643 (cited by 3 submitters); PubMed 30060493 (cited by Labcorp Genetics (formerly Invitae), Labcorp); PubMed 33129279 (cited by Labcorp Genetics (formerly Invitae), Labcorp); PubMed 32581362 (cited by Institute of Human Genetics, Univ. Regensburg, Univ. Regensburg); PubMed 34426522 (cited by Institute of Human Genetics, Univ. Regensburg, Univ. Regensburg).

NM_000350.3(ABCA4):c.1018T>C (p.Tyr340His)

Gene: ABCA4 (ATP binding cassette subfamily A member 4; minus strand). Cytogenetic location: 1p22.1.
Variant type: single nucleotide variant.
Coding change: c.1018T>C on transcript NM_000350.3 (MANE Select); coding-DNA position 1018, T replaced by C.
Protein change: p.Tyr340His; replaces tyrosine 340 with histidine.
Molecular consequence: missense variant.
Genome position (GRCh38, 1-based): chr1:94,080,559, A>G on the plus strand (T>C on the coding strand, the complement: ABCA4 is on the minus strand). VCF-style: chr1-94080559-A-G. GRCh37 (hg19) VCF-style: chr1-94546115-A-G.
Other names: c.1018T>C, p.Tyr340His (NM_001425324.1); short protein forms Y340H.
Identifiers: ClinVar variation 438086 (VCV000438086.54), dbSNP rs61748548, ClinGen allele CA26870533.